The following is an entry in ClinVar:

ClinVar aggregate classification (germline): Uncertain significance (1 of 4 stars; one submission).

Submission:

Ambry Genetics
Classification: Uncertain significance. Last evaluated: 2021-10-26. Review status: criteria provided, single submitter. Criteria: Ambry Variant Classification Scheme 2023. Collection method: clinical testing. Allele origin: germline.
Comment: The p.T1008R variant (also known as c.3023C>G), located in coding exon 4 of the ALPK2 gene, results from a C to G substitution at nucleotide position 3023. The threonine at codon 1008 is replaced by arginine, an amino acid with similar properties. This amino acid position is conserved. In addition, this alteration is predicted to be tolerated by in silico analysis. Since supporting evidence is limited at this time, the clinical significance of this alteration remains unclear.

NM_052947.4(ALPK2):c.3023C>G (p.Thr1008Arg)

Gene: ALPK2 (alpha kinase 2; minus strand). Cytogenetic location: 18q21.31.
Variant type: single nucleotide variant.
Coding change: c.3023C>G on transcript NM_052947.4 (MANE Select); coding-DNA position 3023, C replaced by G.
Protein change: p.Thr1008Arg; replaces threonine 1008 with arginine.
Molecular consequence: missense variant.
Genome position (GRCh38, 1-based): chr18:58,537,164, G>C on the plus strand (C>G on the coding strand, the complement: ALPK2 is on the minus strand). VCF-style: chr18-58537164-G-C. GRCh37 (hg19) VCF-style: chr18-56204396-G-C.
Other names: short protein forms T1008R.
Identifiers: ClinVar variation 1798941 (VCV001798941.2), dbSNP rs2144148214, ClinGen allele CA402569261.